The following is an entry in ClinVar:

NM_005765.3(ATP6AP2):c.158C>T (p.Ser53Phe)

Gene: ATP6AP2 (ATPase H+ transporting accessory protein 2; plus strand). Cytogenetic location: Xp11.4.
Variant type: single nucleotide variant.
Coding change: c.158C>T on transcript NM_005765.3 (MANE Select); coding-DNA position 158, C replaced by T.
Protein change: p.Ser53Phe; replaces serine 53 with phenylalanine.
Molecular consequence: missense variant.
Genome position (GRCh38, 1-based): chrX:40,589,106, C>T. VCF-style: chrX-40589106-C-T. GRCh37 (hg19) VCF-style: chrX-40448358-C-T.
Other names: short protein forms S53F.
Identifiers: ClinVar variation 195249 (VCV000195249.13), dbSNP rs759094089, ClinGen allele CA241593.
Genomic context (GRCh38, chrX:40,589,106, plus strand): 5'-GAAATTGGCCTATACCAGGAGAGCGGATCCCAGACGTGGCTGCATTGTCCATGGGCTTCT[C>T]TGTGAAAGAAGTATGTATATATTTTTTAAATGTTTGGAGCTGCTTTTAAGAACATTTTTA-3'
Protein context (NP_005756.2, residues 43-63): PDVAALSMGF[Ser53Phe]VKEDLSWPGL

ClinVar aggregate classification (germline): Uncertain significance. Review status: criteria provided, multiple submitters, no conflicts (2 of 4 stars). 3 submissions from 3 submitters: Uncertain significance (3). Last evaluated 2025-09-10.

Conditions:
ATP6AP2-related disorder. Identifiers: MedGen CN294805, MONDO:0100146.
Intellectual developmental disorder, X-linked, syndromic, Hedera type. Also called: Syndromic X-linked intellectual disability Hedera type. Identifiers: Orphanet 93952, MedGen C1845543, MONDO:0010319, OMIM 300423.

Allele frequency attached by ClinVar (database versions not stated): ExAC 0.00002; gnomAD 0.00002; gnomAD exomes 0.00002 and 0.00004; TOPMed 0.00009.
gnomAD v4.1: 51 of 1,207,854 alleles (0.0042%); highest among the groups gnomAD compares: Non-Finnish European, 0.0055%; no homozygotes.

Submissions (3):

Labcorp Genetics (formerly Invitae), Labcorp
Classification: Uncertain significance for Intellectual developmental disorder, X-linked, syndromic, Hedera type. Last evaluated: 2025-09-10. Review status: criteria provided, single submitter. Criteria: Invitae Variant Classification Sherloc (09022015). Collection method: clinical testing. Allele origin: germline.
Comment: This sequence change replaces serine, which is neutral and polar, with phenylalanine, which is neutral and non-polar, at codon 53 of the ATP6AP2 protein (p.Ser53Phe). This variant is present in population databases (rs759094089, gnomAD 0.003%). This variant has not been reported in the literature in individuals affected with ATP6AP2-related conditions. ClinVar contains an entry for this variant (Variation ID: 195249). Invitae Evidence Modeling of protein sequence and biophysical properties (such as structural, functional, and spatial information, amino acid conservation, physicochemical variation, residue mobility, and thermodynamic stability) indicates that this missense variant is expected to disrupt ATP6AP2 protein function with a positive predictive value of 80%. In summary, the available evidence is currently insufficient to determine the role of this variant in disease. Therefore, it has been classified as a Variant of Uncertain Significance.

Daryl Scott Lab, Baylor College of Medicine
Classification: Uncertain significance for ATP6AP2-related disorder. Last evaluated: 2025-08-25. Review status: criteria provided, single submitter. Criteria: ACMG Guidelines, 2015. Collection method: clinical testing. Allele origin: maternal. Affected: yes. Observed: 1 heterozygote.
Comment: BS2, PP3

Eurofins Ntd Llc (ga)
Classification: Uncertain significance. Last evaluated: 2017-04-07. Review status: criteria provided, single submitter. Criteria: EGL Classification Definitions 2015. Collection method: clinical testing. Allele origin: germline. Observed: 1 variant allele, 1 hemizygote.